The following is an entry in ClinVar:

NM_017882.3(CLN6):c.791CCT[1] (p.Ser265del)

Gene: CLN6 (CLN6 transmembrane ER protein; minus strand). Cytogenetic location: 15q23.
Variant type: Microsatellite.
Coding change: c.791CCT[1] on transcript NM_017882.3 (MANE Select); one copy of the 3-base unit CCT starting at c.791; the reference has two copies in a row; one copy, 3 bases deleted; also written c.794_796del.
Protein change: p.Ser265del; deletes serine 265.
Molecular consequence: inframe deletion.
Genome position (GRCh38, 1-based): chr15:68,208,280-68,208,282, AGG deleted on the plus strand (CCT on the coding strand, the reverse complement: CLN6 is on the minus strand); deleting any 3 consecutive bases within chr15:68,208,280-68,208,287 gives the same sequence; the position shown is the placement nearest the transcript's 3' end. VCF-style (leftmost placement, unchanged base first): chr15-68208279-AAGG-A. GRCh37 (hg19) VCF-style: chr15-68500617-AAGG-A.
Other names: c.794_796delCCT (NM_017882.3); c.794_796del (NM_017882.3); short protein forms S265del.
Identifiers: ClinVar variation 205182 (VCV000205182.109), dbSNP rs768422260, ClinGen allele CA277425.

ClinVar aggregate classification (germline): Conflicting classifications of pathogenicity. Review status: criteria provided, conflicting classifications (1 of 4 stars). 20 submissions from 20 submitters: Pathogenic (15); Likely pathogenic (4); Uncertain significance (1). Last evaluated 2026-06-29.

Conditions:
Ceroid lipofuscinosis, neuronal, 6B (Kufs type). Also called: Neuronal ceroid lipofuscinosis 4A. Identifiers: Orphanet 700477, MedGen C5561927, MONDO:0008768, OMIM 204300.
Ceroid lipofuscinosis, neuronal, 6A. Also called: Neuronal ceroid lipofuscinosis, Gypsy/Indian early juvenile variant; Neuronal ceroid lipofuscinosis 6; CLN6-Related Neuronal Ceroid-Lipofuscinosis; Neuronal ceroid lipofuscinosis, late infantile, variant. Identifiers: Orphanet 168491, Orphanet 228363, MedGen C5551375, MONDO:0011144, OMIM 601780.
CLN6-related disorder. Also called: CLN6-related condition.
Epilepsy. Also called: Seizure disorder. Identifiers: MedGen C0014544, MeSH D004827, MONDO:0005027.
Neuronal ceroid lipofuscinosis. Also called: Neuronal Ceroid Lipofuscinoses. Identifiers: Orphanet 216, Orphanet 79263, MedGen C0027877, MONDO:0016295. Disease mechanism: loss of function.

Submissions (20):

Cytogénomique, Hospices Civils de Lyon
Classification: Pathogenic for Epilepsy. Last evaluated: 2026-06-29. Review status: criteria provided, single submitter. Criteria: ACMG Guidelines, 2015. Collection method: clinical testing. Allele origin: germline. Affected: yes.

Labcorp Genetics (formerly Invitae), Labcorp
Classification: Pathogenic for Neuronal ceroid lipofuscinosis. Last evaluated: 2025-06-04. Review status: criteria provided, single submitter. Criteria: Invitae Variant Classification Sherloc (09022015). Collection method: clinical testing. Allele origin: germline.
Comment: This variant, c.794_796del, results in the deletion of 1 amino acid(s) of the CLN6 protein (p.Ser265del), but otherwise preserves the integrity of the reading frame. This variant is present in population databases (rs768422260, gnomAD 0.01%). This variant has been observed in individuals with neuronal ceroid lipofuscinosis type 6 (PMID: 19135028, 19520283, 30705896, 31029456). It has also been observed to segregate with disease in related individuals. Algorithms developed to predict the effect of variants on gene product structure and function are not available or were not evaluated for this variant. Experimental studies are conflicting or provide insufficient evidence to determine the effect of this variant on CLN6 function (PMID: 15265688). For these reasons, this variant has been classified as Pathogenic.

Women's Health and Genetics/Laboratory Corporation of America, LabCorp
Classification: Pathogenic for Ceroid lipofuscinosis, neuronal, 6A. Last evaluated: 2025-05-14. Review status: criteria provided, single submitter. Criteria: LabCorp Variant Classification Summary - May 2015. Collection method: clinical testing. Allele origin: germline.
Comment: Variant summary: CLN6 c.794_796delCCT (p.Ser265del) results in an in-frame deletion that is predicted to remove one amino acid from the encoded protein. The variant allele was found at a frequency of 8e-06 in 251342 control chromosomes. c.794_796delCCT has been observed in multiple individuals affected with Ceroid lipofuscinosis, neuronal, 6A (Matsumoto_2019, Rus_2022). These data indicate that the variant is very likely to be associated with disease. At least one publication reports experimental evidence evaluating an impact on protein function, however, does not allow convincing conclusions about the variant effect (Mole_2004). The following publications have been ascertained in the context of this evaluation (PMID: 31029456, 15265688, 35505348). ClinVar contains an entry for this variant (Variation ID: 205182). Based on the evidence outlined above, the variant was classified as pathogenic.

3billion
Classification: Pathogenic for Ceroid lipofuscinosis, neuronal, 6A. Last evaluated: 2025-01-07. Review status: criteria provided, single submitter. Criteria: ACMG Guidelines, 2015. Collection method: clinical testing. Allele origin: germline. Affected: yes.
Comment: The variant is observed at an extremely low frequency in the gnomAD v4.1.0 dataset (total allele frequency: <0.001%). Predicted Consequence/Location: Inframe deletion located in a nonrepeat region: predicted to change the length of the protein and disrupt normal protein function. Damaging effect on gene or gene product predicted by in silico programs is uncertain [REVEL: NA (damaging >=0.6, benign <0.4), 3Cnet: NA (damaging >=0.6, benign <0.15)]. The variant has been observed in multiple (>3) similarly affected unrelated individuals (PMID: 19135028, 19520283, 30705896, 31029456). The variant has been reported to co-segregate with the disease in at least one similarly affected relative/individual in the same family or similarly affected unrelated family (PMID: 30705896). The variant has been reported at least twice as pathogenic with clinical assertions and evidence for the classification (ClinVar ID: VCV000205182 /PMID: 12815591 /3billion dataset). Therefore, this variant is classified as Pathogenic according to the recommendation of ACMG/AMP guideline.

Natera, Inc.
Classification: Pathogenic for Ceroid lipofuscinosis, neuronal, 6A. Last evaluated: 2024-11-14. Review status: criteria provided, single submitter. Criteria: Natera Variant Classification Schema (03/2026). Collection method: clinical testing. Allele origin: germline.
Comment: The c.794_796delCCT variant in CLN6 is an in-frame deletion predicted to remove serine at amino acid 265 while preserving the reading frame. This variant is rare in the general population with a frequency below the threshold expected for the associated phenotype(s). This variant has been observed in one or more individuals affected with the associated recessive disease, as either homozygous or compound heterozygous with a second variant (PMID: 36137348, 35505348). Additionally, this variant has been observed to segregate in affected family members (PMID: 36137348, 35505348, 30705896). This variant results in a change to the protein length while preserving reading frame, which may disrupt normal protein structure or function. Computational prediction algorithms indicate this variant is likely to affect gene or protein function. Given the available evidence, this variant is classified as Pathogenic.

GeneDx
Classification: Pathogenic. Last evaluated: 2024-10-31. Review status: criteria provided, single submitter. Criteria: GeneDx Variant Classification Process June 2021. Collection method: clinical testing. Allele origin: germline. Affected: yes.
Comment: Not observed at significant frequency in large population cohorts (gnomAD); In-frame deletion of 1 amino acid in a non-repeat region; In silico analysis supports a deleterious effect on protein structure/function; This variant is associated with the following publications: (PMID: 32056211, 12815591, 15265688, 19520283, 19135028, 21990111, 19201763, 30705896, 31029456, 31130284, 33726816, 34426522, 29930972, 35505348, 36137348, 35796208)

CeGaT Center for Human Genetics Tuebingen
Classification: Pathogenic. Last evaluated: 2024-08-01. Review status: criteria provided, single submitter. Criteria: CeGaT Center For Human Genetics Tuebingen Variant Classification Criteria Version 2. Collection method: clinical testing. Allele origin: germline. Affected: yes. Observed: 7 variant alleles.
Comment: CLN6: PP4:Strong, PM2, PM3, PM4

Fulgent Genetics
Classification: Pathogenic for Ceroid lipofuscinosis, neuronal, 6B (Kufs type); Ceroid lipofuscinosis, neuronal, 6A. Last evaluated: 2024-05-10. Review status: criteria provided, single submitter. Criteria: ACMG Guidelines, 2015. Collection method: clinical testing. Allele origin: germline.

Institute of Medical Genetics and Applied Genomics, University Hospital Tübingen
Classification: Pathogenic for Ceroid lipofuscinosis, neuronal, 6A. Last evaluated: 2024-04-30. Review status: criteria provided, single submitter. Criteria: ACMG Guidelines, 2015. Collection method: clinical testing. Allele origin: germline. Inheritance: Autosomal recessive inheritance. Affected: yes.

Genomic Medicine Center of Excellence, King Faisal Specialist Hospital and Research Centre
Classification: Likely pathogenic for Ceroid lipofuscinosis, neuronal, 6A. Last evaluated: 2024-03-25. Review status: criteria provided, single submitter. Criteria: ACMG Guidelines, 2015. Collection method: clinical testing. Allele origin: germline.

Clinical Genetics Laboratory, Skane University Hospital Lund
Classification: Pathogenic. Last evaluated: 2022-05-27. Review status: criteria provided, single submitter. Criteria: ACMG Guidelines, 2015. Collection method: clinical testing. Allele origin: germline. Affected: yes.

Blueprint Genetics
Classification: Pathogenic for CLN6-related disorders. Last evaluated: 2022-02-22. Review status: criteria provided, single submitter. Criteria: ACMG Guidelines, 2015. Collection method: clinical testing. Allele origin: germline. Affected: yes. Observed: 5 variant alleles.

Myriad Genetics, Inc.
Classification: Pathogenic for Neuronal ceroid lipofuscinosis. Last evaluated: 2021-11-10. Review status: criteria provided, single submitter. Criteria: Myriad Autosomal Dominant, Autosomal Recessive and X-Linked Classification Criteria (2023). Collection method: clinical testing. Allele origin: unknown.
Comment: NM_017882.2(CLN6):c.794_796delCCT(S265del) is an in-frame deletion variant classified as pathogenic in the context of neuronal ceroid lipofuscinosis, CLN6-related. S265del has been observed in cases with relevant disease (PMID: 21990111, 12815591, 19135028, 29930972). Functional assessments of this variant are available in the literature (PMID: 19135028, 15265688). S265del has been observed in population frequency databases (gnomAD: AFR 0.01%). In summary, NM_017882.2(CLN6):c.794_796delCCT(S265del) is an in-frame deletion variant that has been observed more frequently in cases with the relevant disease than in healthy populations. Please note: this variant was assessed in the context of healthy population screening.

Centre for Inherited Metabolic Diseases, Karolinska University Hospital
Classification: Pathogenic for Ceroid lipofuscinosis, neuronal, 6A. Last evaluated: 2021-04-13. Review status: criteria provided, single submitter. Criteria: ACMG Guidelines, 2015. Collection method: clinical testing. Allele origin: germline. Inheritance: Autosomal recessive inheritance. Affected: yes. Observed: 1 compound heterozygote.

Revvity Omics, Revvity
Classification: Likely pathogenic. Last evaluated: 2020-11-23. Review status: criteria provided, single submitter. Criteria: ACMG Guidelines, 2015. Collection method: clinical testing. Allele origin: germline.

Mendelics
Classification: Pathogenic for Neuronal ceroid lipofuscinosis 1. Last evaluated: 2019-05-28. Review status: criteria provided, single submitter. Criteria: Mendelics Assertion Criteria 2017. Collection method: clinical testing. Allele origin: unknown.

Mayo Clinic Laboratories, Mayo Clinic
Classification: Likely pathogenic. Last evaluated: 2019-04-07. Review status: criteria provided, single submitter. Criteria: ACMG Guidelines, 2015. Collection method: clinical testing. Allele origin: germline.
Comment: PP1, PM2, PM3, PM4, PS4_moderate

Eurofins Ntd Llc (ga)
Classification: Uncertain significance. Last evaluated: 2017-06-13. Review status: criteria provided, single submitter. Criteria: EGL Classification Definitions 2015. Collection method: clinical testing. Allele origin: germline. Observed: 1 variant allele, 1 heterozygote.

Genetic Services Laboratory, University of Chicago
Classification: Pathogenic for Ceroid lipofuscinosis, neuronal, 6. Last evaluated: 2015-05-11. Review status: criteria provided, single submitter. Criteria: ACMG Guidelines, 2015. Collection method: clinical testing. Allele origin: germline. Affected: yes.

Kasturba Medical College, Manipal, Kasturba Medical College, Manipal, Manipal Academy of Higher Education, Manipal, India
Classification: Likely pathogenic for Ceroid lipofuscinosis, neuronal, 6A. Review status: criteria provided, single submitter. Criteria: ACMG Guidelines, 2015. Collection method: clinical testing. Allele origin: germline. Inheritance: Autosomal recessive inheritance. Affected: yes. Observed: 1 variant allele, 1 homozygote.

Literature cited by the submitters: PubMed 19135028 (cited by 4 submitters); PubMed 19520283 (cited by Labcorp Genetics (formerly Invitae), Labcorp and 3billion); PubMed 30705896 (cited by 4 submitters); PubMed 31029456 (cited by 4 submitters); PubMed 15265688 (cited by 4 submitters); PubMed 35505348 (cited by Women's Health and Genetics/Laboratory Corporation of America, LabCorp and Natera, Inc.); PubMed 12815591 (cited by 3 submitters); PubMed 36137348 (cited by Natera, Inc. and Mayo Clinic Laboratories, Mayo Clinic); PubMed 21990111 (cited by Myriad Genetics, Inc.); PubMed 29930972 (cited by Myriad Genetics, Inc. and Mayo Clinic Laboratories, Mayo Clinic); PubMed 27629047 (cited by Mayo Clinic Laboratories, Mayo Clinic); PubMed 32056211 (cited by Mayo Clinic Laboratories, Mayo Clinic); PubMed 35796208 (cited by Mayo Clinic Laboratories, Mayo Clinic).